The following is an entry in ClinVar:

ClinVar aggregate classification (germline): Pathogenic (1 of 4 stars; one submission).

Submission:

Labcorp Genetics (formerly Invitae), Labcorp
Classification: Pathogenic. Last evaluated: 2023-01-28. Review status: criteria provided, single submitter. Criteria: Invitae Variant Classification Sherloc (09022015). Collection method: clinical testing. Allele origin: germline.
Comment: This sequence change creates a premature translational stop signal (p.Gln736*) in the TG gene. It is expected to result in an absent or disrupted protein product. Loss-of-function variants in TG are known to be pathogenic (PMID: 19837936, 23164529). This variant is not present in population databases (gnomAD no frequency). This premature translational stop signal has been observed in individual(s) with TG-related conditions (PMID: 21128992). For these reasons, this variant has been classified as Pathogenic.

Literature cited by the submitters: PubMed 19837936; PubMed 23164529; PubMed 21128992.

NM_003235.5(TG):c.2206C>T (p.Gln736Ter)

Gene: TG (thyroglobulin; plus strand). Cytogenetic location: 8q24.22.
Variant type: single nucleotide variant.
Coding change: c.2206C>T on transcript NM_003235.5 (MANE Select); coding-DNA position 2206, C replaced by T.
Protein change: p.Gln736Ter; replaces glutamine 736 with a stop codon.
Molecular consequence: nonsense.
Genome position (GRCh38, 1-based): chr8:132,888,013, C>T. VCF-style: chr8-132888013-C-T. GRCh37 (hg19) VCF-style: chr8-133900258-C-T.
Other names: short protein forms Q736*.
Identifiers: ClinVar variation 2735217 (VCV002735217.3), dbSNP rs2489845408, ClinGen allele CA372234870.